The following is an entry in ClinVar:

NM_004186.5(SEMA3F):c.1366C>T (p.Arg456Cys)

Gene: SEMA3F (semaphorin 3F; plus strand). Cytogenetic location: 3p21.31.
Variant type: single nucleotide variant.
Coding change: c.1366C>T on transcript NM_004186.5 (MANE Select); coding-DNA position 1366, C replaced by T.
Protein change: p.Arg456Cys; replaces arginine 456 with cysteine.
Molecular consequence: missense variant.
Genome position (GRCh38, 1-based): chr3:50,184,724, C>T. VCF-style: chr3-50184724-C-T. GRCh37 (hg19) VCF-style: chr3-50222157-C-T.
Other names: c.1069C>T, p.Arg357Cys (NM_001318798.2); c.1273C>T, p.Arg425Cys (NM_001318800.2); short protein forms R357C, R425C, R456C.
Identifiers: ClinVar variation 3352094 (VCV003352094.1).

ClinVar aggregate classification (germline): Uncertain significance (0 of 4 stars; one submission).

Conditions:
SEMA3F-related disorder. Also called: SEMA3F-related condition.

gnomAD v4.1: 27 of 1,614,120 alleles (0.0017%); highest among the groups gnomAD compares: African/African-American, 0.0053%; no homozygotes.

Submission:

PreventionGenetics, part of Exact Sciences
Classification: Uncertain significance for SEMA3F-related condition. Last evaluated: 2023-12-20. Review status: no assertion criteria provided. Collection method: clinical testing. Allele origin: germline.
Comment: The SEMA3F c.1366C>T variant is predicted to result in the amino acid substitution p.Arg456Cys. To our knowledge, this variant has not been reported in the literature. This variant is reported in 0.025% of alleles in individuals of African descent in gnomAD. At this time, the clinical significance of this variant is uncertain due to the absence of conclusive functional and genetic evidence.